The following is an entry in ClinVar:

ClinVar aggregate classification (germline): Uncertain significance. Review status: criteria provided, multiple submitters, no conflicts (2 of 4 stars). 2 submissions from 2 submitters: Uncertain significance (2). Last evaluated 2025-06-11.

Conditions:
LRRC45-related disorder. Also called: LRRC45-related condition.

gnomAD v4.1: 20 of 1,549,900 alleles (0.0013%); highest among the groups gnomAD compares: Non-Finnish European, 0.0015%; no homozygotes.

Submissions (2):

Ambry Genetics
Classification: Uncertain significance. Last evaluated: 2025-06-11. Review status: criteria provided, single submitter. Criteria: Ambry Variant Classification Scheme 2023. Collection method: clinical testing. Allele origin: germline.

PreventionGenetics, part of Exact Sciences
Classification: Uncertain significance for LRRC45-related condition. Last evaluated: 2025-02-28. Review status: criteria provided, single submitter. Criteria: ACMG Guidelines, 2015. Collection method: clinical testing. Allele origin: germline.
Comment: The LRRC45 c.1718G>A variant is predicted to result in the amino acid substitution p.Arg573His. To our knowledge, this variant has not been reported in the literature. This variant is not reported in gnomAD v2 (as displayed in the table above). However, in gnomAD v4 (available only on GRCh38), this variant is reported in 0.0015% alleles in individuals of non-Finnish European descent, including zero homozygotes. At this time, the clinical significance of this variant is uncertain due to the absence of conclusive functional and genetic evidence.

NM_144999.4(LRRC45):c.1718G>A (p.Arg573His)

Gene: LRRC45 (leucine rich repeat containing 45; plus strand). Cytogenetic location: 17q25.3.
Variant type: single nucleotide variant.
Coding change: c.1718G>A on transcript NM_144999.4 (MANE Select); coding-DNA position 1718, G replaced by A.
Protein change: p.Arg573His; replaces arginine 573 with histidine.
Molecular consequence: missense variant.
Genome position (GRCh38, 1-based): chr17:82,030,368, G>A. VCF-style: chr17-82030368-G-A. GRCh37 (hg19) VCF-style: chr17-79988244-G-A.
Other names: c.1718G>A (NM_144999.3); short protein forms R573H.
Identifiers: ClinVar variation 4049176 (VCV004049176.2).